The following is an entry in ClinVar:

ClinVar aggregate classification (germline): Likely pathogenic (1 of 4 stars; one submission).

Allele frequency attached by ClinVar (database versions not stated): ExAC 0.00001; gnomAD 0.00001; gnomAD exomes 0.00001; TOPMed 0.00001.
gnomAD v4.1: 13 of 1,550,502 alleles (0.00084%); highest among the groups gnomAD compares: Non-Finnish European, 0.0011%; no homozygotes.

Submission:

Labcorp Genetics (formerly Invitae), Labcorp
Classification: Likely pathogenic. Last evaluated: 2023-10-22. Review status: criteria provided, single submitter. Criteria: Invitae Variant Classification Sherloc (09022015). Collection method: clinical testing. Allele origin: germline.
Comment: This sequence change affects a donor splice site in intron 16 of the HPS5 gene. It is expected to disrupt RNA splicing. Variants that disrupt the donor or acceptor splice site typically lead to a loss of protein function (PMID: 16199547), and loss-of-function variants in HPS5 are known to be pathogenic (PMID: 12548288, 15296495, 21833017, 26785811). The frequency data for this variant in the population databases is considered unreliable, as metrics indicate poor data quality at this position in the gnomAD database. This variant has not been reported in the literature in individuals affected with HPS5-related conditions. ClinVar contains an entry for this variant (Variation ID: 1905487). Algorithms developed to predict the effect of sequence changes on RNA splicing suggest that this variant may disrupt the consensus splice site. In summary, the currently available evidence indicates that the variant is pathogenic, but additional data are needed to prove that conclusively. Therefore, this variant has been classified as Likely Pathogenic.

Literature cited by the submitters: PubMed 16199547; PubMed 12548288; PubMed 15296495; PubMed 21833017; PubMed 26785811.

NM_181507.2(HPS5):c.2440+2T>C

Gene: HPS5 (HPS5 biogenesis of lysosomal organelles complex 2 subunit 2; minus strand). Cytogenetic location: 11p15.1.
Variant type: single nucleotide variant.
Coding change: c.2440+2T>C on transcript NM_181507.2 (MANE Select); the canonical splice donor site of the intron after coding-DNA position 2440, T replaced by C.
Molecular consequence: splice donor variant. On other transcripts: intron variant (1).
Genome position (GRCh38, 1-based): chr11:18,291,440, A>G on the plus strand (T>C on the coding strand, the complement: HPS5 is on the minus strand). VCF-style: chr11-18291440-A-G. GRCh37 (hg19) VCF-style: chr11-18312987-A-G.
Other names: c.2026+2T>C (NM_001440929.1, NM_001440928.1, NM_001440927.1); c.2098+2T>C (NM_181508.2, NM_001440921.1, NM_001440926.1 and 7 more transcripts); c.2329+2T>C (NM_001440915.1, NM_001440914.1, NM_001440913.1); c.1862+1459T>C (NM_001440931.1); c.2440+2T>C (NM_001440917.1, NM_001440906.1, NM_001440905.1 and 4 more transcripts); c.2365+2T>C (NM_001440907.1, NM_001440909.1, NM_001440908.1); c.2227+2T>C (NM_001440919.1); c.2254+2T>C (NM_001440918.1).
Identifiers: ClinVar variation 1905487 (VCV001905487.5), dbSNP rs751526095, ClinGen allele CA5909863.